The following is an entry in ClinVar:

ClinVar aggregate classification (germline): Uncertain significance (1 of 4 stars; one submission).

Submission:

CeGaT Center for Human Genetics Tuebingen
Classification: Uncertain significance. Last evaluated: 2022-12-01. Review status: criteria provided, single submitter. Criteria: CeGaT Center For Human Genetics Tuebingen Variant Classification Criteria Version 2. Collection method: clinical testing. Allele origin: germline. Affected: yes. Observed: 1 variant allele.
Comment: MYPN: PM2

NM_032578.4(MYPN):c.1102G>A (p.Gly368Ser)

Gene: MYPN (myopalladin; plus strand). Cytogenetic location: 10q21.3.
Variant type: single nucleotide variant.
Coding change: c.1102G>A on transcript NM_032578.4 (MANE Select); coding-DNA position 1102, G replaced by A.
Protein change: p.Gly368Ser; replaces glycine 368 with serine.
Molecular consequence: missense variant. On other transcripts: non-coding transcript variant (2).
Genome position (GRCh38, 1-based): chr10:68,145,498, G>A. VCF-style: chr10-68145498-G-A. GRCh37 (hg19) VCF-style: chr10-69905255-G-A.
Other names: c.1102G>A, p.Gly368Ser (NM_001256267.2); c.220G>A, p.Gly74Ser (NM_001256268.2); short protein forms G368S, G74S.
Identifiers: ClinVar variation 2640524 (VCV002640524.24), dbSNP rs2495590711, ClinGen allele CA376830529.